The following is an entry in ClinVar:

NM_024426.6(WT1):c.779C>T (p.Ser260Leu)

Gene: WT1 (WT1 transcription factor; minus strand). Cytogenetic location: 11p13.
Variant type: single nucleotide variant.
Coding change: c.779C>T on transcript NM_024426.6 (MANE Select); coding-DNA position 779, C replaced by T.
Protein change: p.Ser260Leu; replaces serine 260 with leucine.
Molecular consequence: missense variant. On other transcripts: non-coding transcript variant (1).
Genome position (GRCh38, 1-based): chr11:32,428,502, G>A on the plus strand (C>T on the coding strand, the complement: WT1 is on the minus strand). VCF-style: chr11-32428502-G-A. GRCh37 (hg19) VCF-style: chr11-32450048-G-A.
Other names: c.779C>T, p.Ser260Leu (NM_000378.6, NM_001407044.1, NM_001407045.1 and 4 more transcripts); c.128C>T, p.Ser43Leu (NM_001198551.2, NM_001198552.2); c.17C>T, p.Ser6Leu (NM_001407051.1); c.764C>T, p.Ser255Leu (NM_024425.2); short protein forms S43L, S260L, S6L.
Identifiers: ClinVar variation 543124 (VCV000543124.13), dbSNP rs1444869026, ClinGen allele CA379963259.

ClinVar aggregate classification (germline): Uncertain significance. Review status: criteria provided, multiple submitters, no conflicts (2 of 4 stars). 4 submissions from 4 submitters: Uncertain significance (4). Last evaluated 2026-01-10.

Conditions:
Wilms tumor 1 (WT1). Also called: Wilms tumor, somatic. Identifiers: Orphanet 654, MedGen CN033288, MONDO:0008679, OMIM 194070.
11p partial monosomy syndrome (WAGR). Also called: CHROMOSOME 11p13 DELETION SYNDROME; WAGR Spectrum Disorder; WAGR syndrome; WAGR Complex. Identifiers: Orphanet 893, MedGen C0206115, MONDO:0008681, OMIM 194072.
Aniridia 1 (AN1). Identifiers: Orphanet 250923, MedGen C0344542, MONDO:0024507, OMIM 106210.
Meacham syndrome. Also called: Meacham Winn Culler syndrome. Identifiers: Orphanet 3097, MedGen C1837026, MONDO:0012164, OMIM 608978.
Mesothelioma, malignant (MESOM). Also called: Malignant mesothelioma (disease). Identifiers: Orphanet 50251, MedGen C0345967, MONDO:0006292, OMIM 156240, HP:0100001.
Frasier syndrome. Identifiers: Orphanet 347, MedGen C0950122, MeSH D052159, MONDO:0007635, OMIM 136680.
Nephrotic syndrome, type 4 (NPHS4). Also called: Familial mesangial sclerosis; Nephrotic syndrome, early onset with diffuse mesangial sclerosis. Identifiers: Orphanet 656, MedGen C3151568, MONDO:0009733, OMIM 256370.
Drash syndrome (DDS). Also called: NEPHROPATHY, WILMS TUMOR, AND GENITAL ANOMALIES; WILMS TUMOR AND PSEUDO- OR TRUE HERMAPHRODITISM. Identifiers: Orphanet 220, MedGen C0950121, MONDO:0008682, OMIM 194080.
Inborn genetic diseases. Identifiers: MedGen C0950123, MeSH D030342.

Allele frequency attached by ClinVar (database versions not stated): gnomAD 0.00002; gnomAD exomes 0.00002; TOPMed 0.00003.
gnomAD v4.1: 28 of 1,613,976 alleles (0.0017%); highest among the groups gnomAD compares: Non-Finnish European, 0.0023%; no homozygotes.

Submissions (4):

Labcorp Genetics (formerly Invitae), Labcorp
Classification: Uncertain significance for Wilms tumor 1; Drash syndrome; 11p partial monosomy syndrome; Frasier syndrome. Last evaluated: 2026-01-10. Review status: criteria provided, single submitter. Criteria: Invitae Variant Classification Sherloc (09022015). Collection method: clinical testing. Allele origin: germline.
Comment: This sequence change replaces serine, which is neutral and polar, with leucine, which is neutral and non-polar, at codon 255 of the WT1 protein (p.Ser255Leu). This variant is present in population databases (no rsID available, gnomAD 0.007%). This variant has not been reported in the literature in individuals affected with WT1-related conditions. ClinVar contains an entry for this variant (Variation ID: 543124). Invitae Evidence Modeling of protein sequence and biophysical properties (such as structural, functional, and spatial information, amino acid conservation, physicochemical variation, residue mobility, and thermodynamic stability) indicates that this missense variant is not expected to disrupt WT1 protein function with a negative predictive value of 95%. In summary, the available evidence is currently insufficient to determine the role of this variant in disease. Therefore, it has been classified as a Variant of Uncertain Significance.

Ambry Genetics
Classification: Uncertain significance for Inborn genetic diseases. Last evaluated: 2024-12-20. Review status: criteria provided, single submitter. Criteria: Ambry Variant Classification Scheme 2023. Collection method: clinical testing. Allele origin: germline.
Comment: The p.S255L variant (also known as c.764C>T), located in coding exon 2 of the WT1 gene, results from a C to T substitution at nucleotide position 764. The serine at codon 255 is replaced by leucine, an amino acid with dissimilar properties. This amino acid position is well conserved in available vertebrate species. In addition, the in silico prediction for this alteration is inconclusive. Based on the available evidence, the clinical significance of this variant remains unclear.

ARUP Laboratories, Molecular Genetics and Genomics, ARUP Laboratories
Classification: Uncertain significance. Last evaluated: 2024-04-18. Review status: criteria provided, single submitter. Criteria: ARUP Molecular Germline Variant Investigation Process 2024. Collection method: clinical testing. Allele origin: germline.
Comment: The WT1 c.779C>T; p.Ser260Leu variant (rs1444869026), to our knowledge, is not reported in the medical literature but is reported in ClinVar (Variation ID: 543124). This variant is only observed on one allele in the Genome Aggregation Database (v2.1.1), indicating it is not a common polymorphism. Computational analyses are uncertain whether this variant is neutral or deleterious (REVEL: 0.4). Due to limited information, the clinical significance of this variant is uncertain at this time.

Fulgent Genetics
Classification: Uncertain significance for Aniridia 1; Frasier syndrome; Mesothelioma, malignant; Wilms tumor 1; 11p partial monosomy syndrome; Drash syndrome; Nephrotic syndrome, type 4; Meacham syndrome. Last evaluated: 2022-02-01. Review status: criteria provided, single submitter. Criteria: ACMG Guidelines, 2015. Collection method: clinical testing. Allele origin: unknown.